The following is an entry in ClinVar:

NM_001321739.2(M1AP):c.13C>T (p.Arg5Ter)

Gene: M1AP (meiosis 1 associated protein; minus strand). Cytogenetic location: 2p13.1.
Variant type: single nucleotide variant.
Coding change: c.13C>T on transcript NM_001321739.2 (MANE Select); coding-DNA position 13, C replaced by T.
Protein change: p.Arg5Ter; replaces arginine 5 with a stop codon.
Molecular consequence: nonsense.
Genome position (GRCh38, 1-based): chr2:74,640,263, G>A on the plus strand (C>T on the coding strand, the complement: M1AP is on the minus strand). VCF-style: chr2-74640263-G-A. GRCh37 (hg19) VCF-style: chr2-74867390-G-A.
Other names: c.13C>T, p.Arg5Ter (NM_001281295.2, NM_001281296.2, NM_138804.5); short protein forms R5*.
Identifiers: ClinVar variation 4845843 (VCV004845843.1).

ClinVar aggregate classification (germline): Likely pathogenic (1 of 4 stars; one submission).

Conditions:
Spermatogenic failure 48. Identifiers: MedGen C5436823, MONDO:0030846, OMIM 619108.

Submission:

First Genomix Gene Laboratory, Genetic Diagnostics Department
Classification: Likely pathogenic for Spermatogenic failure 48. Last evaluated: 2025-03-27. Review status: criteria provided, single submitter. Criteria: ACMG Guidelines, 2015. Collection method: clinical testing. Allele origin: germline. Inheritance: Autosomal recessive inheritance. Affected: no. Observed: 1 variant allele.